The following is an entry in ClinVar:

NM_004006.3(DMD):c.1324C>T (p.Gln442Ter)

Gene: DMD (dystrophin; minus strand). Cytogenetic location: Xp21.1.
Variant type: single nucleotide variant.
Coding change: c.1324C>T on transcript NM_004006.3 (MANE Select); coding-DNA position 1324, C replaced by T.
Protein change: p.Gln442Ter; replaces glutamine 442 with a stop codon.
Molecular consequence: nonsense.
Genome position (GRCh38, 1-based): chrX:32,644,139, G>A on the plus strand (C>T on the coding strand, the complement: DMD is on the minus strand). VCF-style: chrX-32644139-G-A. GRCh37 (hg19) VCF-style: chrX-32662256-G-A.
Other names: c.1300C>T, p.Gln434Ter (NM_000109.4); c.1312C>T, p.Gln438Ter (NM_004009.3); c.955C>T, p.Gln319Ter (NM_004010.3); short protein forms Q442*, Q434*, Q438*, Q319*.
Identifiers: ClinVar variation 217176 (VCV000217176.12), dbSNP rs863224979, ClinGen allele CA347498.

ClinVar aggregate classification (germline): Pathogenic. Review status: criteria provided, multiple submitters, no conflicts (2 of 4 stars). 2 submissions from 2 submitters: Pathogenic (2). Last evaluated 2019-03-12.

Conditions:
Duchenne muscular dystrophy (DMD). Also called: MUSCULAR DYSTROPHY, PSEUDOHYPERTROPHIC PROGRESSIVE, DUCHENNE TYPE; Duchenne Muscular Dystrophy (DMD). Identifiers: Orphanet 98896, MedGen C0013264, MONDO:0010679, OMIM 310200.

Submissions (2):

Labcorp Genetics (formerly Invitae), Labcorp
Classification: Pathogenic for Duchenne muscular dystrophy. Last evaluated: 2019-03-12. Review status: criteria provided, single submitter. Criteria: Invitae Variant Classification Sherloc (09022015). Collection method: clinical testing. Allele origin: germline.
Comment: This variant has been observed in several individuals affected with Duchenne muscular dystrophy (PMID:11257468, 19783145, 20485447). ClinVar contains an entry for this variant (Variation ID: 217176). For these reasons, this variant has been classified as Pathogenic. Loss-of-function variants in DMD are known to be pathogenic (PMID: 16770791, 25007885). This variant is not present in population databases (ExAC no frequency). This sequence change creates a premature translational stop signal (p.Gln442*) in the DMD gene. It is expected to result in an absent or disrupted protein product.

Athena Diagnostics
Classification: Pathogenic for Duchenne muscular dystrophy. Last evaluated: 2014-12-16. Review status: criteria provided, single submitter. Criteria: Athena Diagnostics Criteria. Collection method: clinical testing. Allele origin: germline. Inheritance: X-linked recessive inheritance.
Comment: X-linked recessive inheritance

Literature cited by the submitters: PubMed 11257468 (cited by Labcorp Genetics (formerly Invitae), Labcorp and Athena Diagnostics); PubMed 19783145 (cited by Labcorp Genetics (formerly Invitae), Labcorp); PubMed 20485447 (cited by Labcorp Genetics (formerly Invitae), Labcorp and Athena Diagnostics); PubMed 16770791 (cited by Labcorp Genetics (formerly Invitae), Labcorp); PubMed 25007885 (cited by Labcorp Genetics (formerly Invitae), Labcorp).